The following is an entry in ClinVar:

ClinVar aggregate classification (germline): Conflicting classifications of pathogenicity. Review status: criteria provided, conflicting classifications (1 of 4 stars). 5 submissions from 5 submitters: Uncertain significance (1); Benign (2); Likely benign (1). 1 of the submissions does not count toward it. Last evaluated 2026-01-12.

Conditions:
MBTPS1-related disorder. Also called: MBTPS1-related condition.
Inborn genetic diseases. Identifiers: MedGen C0950123, MeSH D030342.

Allele frequency attached by ClinVar (database versions not stated): ExAC 0.00081; gnomAD exomes 0.00082; 1000 Genomes Project 0.00300; ESP Exome Variant Server 0.00308; gnomAD 0.00332 and 0.00351; 1000 Genomes Project 30x 0.00359; TOPMed 0.00365.
gnomAD v4.1: 1,040 of 1,614,148 alleles (0.064%); highest among the groups gnomAD compares: African/African-American, 1.1%; 7 homozygotes.

Submissions (5):

Labcorp Genetics (formerly Invitae), Labcorp
Classification: Benign. Last evaluated: 2026-01-12. Review status: criteria provided, single submitter. Criteria: Invitae Variant Classification Sherloc (09022015). Collection method: clinical testing. Allele origin: germline.

CeGaT Center for Human Genetics Tuebingen
Classification: Likely benign. Last evaluated: 2025-09-01. Review status: criteria provided, single submitter. Criteria: CeGaT Center For Human Genetics Tuebingen Variant Classification Criteria Version 2. Collection method: clinical testing. Allele origin: germline. Affected: yes. Observed: 1 variant allele.
Comment: MBTPS1: BP4, BS1

Ambry Genetics
Classification: Uncertain significance for Inborn genetic diseases. Last evaluated: 2024-07-25. Review status: criteria provided, single submitter. Criteria: Ambry Variant Classification Scheme 2023. Collection method: clinical testing. Allele origin: germline.

Breakthrough Genomics
Classification: Benign. Review status: criteria provided, single submitter. Criteria: ACMG Guidelines, 2015. Collection method: not provided. Allele origin: germline. Inheritance: Autosomal recessive inheritance. Affected: yes.

PreventionGenetics, part of Exact Sciences
Classification: Benign for MBTPS1-related condition. Last evaluated: 2020-01-27. Review status: no assertion criteria provided. Collection method: clinical testing. Allele origin: germline. Not counted in ClinVar's aggregate classification.
Comment: This variant is classified as benign based on ACMG/AMP sequence variant interpretation guidelines (Richards et al. 2015 PMID: 25741868, with internal and published modifications).

NM_003791.4(MBTPS1):c.2461G>C (p.Val821Leu)

Gene: MBTPS1 (membrane bound transcription factor peptidase, site 1; minus strand). Cytogenetic location: 16q23.3.
Variant type: single nucleotide variant.
Coding change: c.2461G>C on transcript NM_003791.4 (MANE Select); coding-DNA position 2461, G replaced by C.
Protein change: p.Val821Leu; replaces valine 821 with leucine.
Molecular consequence: missense variant.
Genome position (GRCh38, 1-based): chr16:84,063,416, C>G on the plus strand (G>C on the coding strand, the complement: MBTPS1 is on the minus strand). VCF-style: chr16-84063416-C-G. GRCh37 (hg19) VCF-style: chr16-84097021-C-G.
Other names: c.2461G>C (NM_003791.2, NM_003791.3); short protein forms V821L.
Identifiers: ClinVar variation 1565003 (VCV001565003.19), dbSNP rs35417190, ClinGen allele CA8200879.
Genomic context (GRCh38, chr16:84,063,416, plus strand): 5'-TCCGGCCTCCACCCTCAGCTGGAATCTGATAAAGTCCCAAAATGGGGACGTTTTCAACAA[C>G]TGCTGTTTCCTGCTTTAAAACCTCCAATCCTGAAACAACACAACAAAAAACAACAGCCAT-3'
Protein context (NP_003782.1, residues 811-831): GLEVLKQETA[Val821Leu]VENVPILGLY